The following is an entry in ClinVar:

ClinVar aggregate classification (germline): Uncertain significance. Review status: criteria provided, multiple submitters, no conflicts (2 of 4 stars). 2 submissions from 2 submitters: Uncertain significance (2). Last evaluated 2025-04-02.

Conditions:
HECTD4-related disorder. Also called: HECTD4-related condition.

Submissions (2):

PreventionGenetics, part of Exact Sciences
Classification: Uncertain significance for HECTD4-related condition. Last evaluated: 2025-04-02. Review status: criteria provided, single submitter. Criteria: ACMG Guidelines, 2015. Collection method: clinical testing. Allele origin: germline.
Comment: The HECTD4 c.637G>A variant is predicted to result in the amino acid substitution p.Val213Met. To our knowledge, this variant has not been reported in the literature. This variant is reported in 0.040% of alleles in individuals of African descent in gnomAD. At this time, the clinical significance of this variant is uncertain due to the absence of conclusive functional and genetic evidence.

Ambry Genetics
Classification: Uncertain significance. Last evaluated: 2024-09-20. Review status: criteria provided, single submitter. Criteria: Ambry Variant Classification Scheme 2023. Collection method: clinical testing. Allele origin: germline.

NM_001388303.1(HECTD4):c.1069G>A (p.Val357Met)

Gene: HECTD4 (HECT domain E3 ubiquitin protein ligase 4; minus strand). Cytogenetic location: 12q24.13.
Variant type: single nucleotide variant.
Coding change: c.1069G>A on transcript NM_001388303.1 (MANE Select); coding-DNA position 1069, G replaced by A.
Protein change: p.Val357Met; replaces valine 357 with methionine.
Molecular consequence: missense variant.
Genome position (GRCh38, 1-based): chr12:112,308,848, C>T on the plus strand (G>A on the coding strand, the complement: HECTD4 is on the minus strand). VCF-style: chr12-112308848-C-T. GRCh37 (hg19) VCF-style: chr12-112746652-C-T.
Other names: c.637G>A (NM_001109662.3); c.1069G>A, p.Val357Met (NM_001109662.4); short protein forms V357M.
Identifiers: ClinVar variation 3524825 (VCV003524825.2).